The following is an entry in ClinVar:

NM_201384.3(PLEC):c.7403T>G (p.Leu2468Arg)

Gene: PLEC (plectin; minus strand). Cytogenetic location: 8q24.3.
Variant type: single nucleotide variant.
Coding change: c.7403T>G on transcript NM_201384.3 (MANE Select); coding-DNA position 7403, T replaced by G.
Protein change: p.Leu2468Arg; replaces leucine 2468 with arginine.
Molecular consequence: missense variant. On other transcripts: intron variant (1).
Genome position (GRCh38, 1-based): chr8:143,922,526, A>C on the plus strand (T>G on the coding strand, the complement: PLEC is on the minus strand). VCF-style: chr8-143922526-A-C. GRCh37 (hg19) VCF-style: chr8-144996694-A-C.
Other names: c.7484T>G, p.Leu2495Arg (NM_000445.5); c.7361T>G, p.Leu2454Arg (NM_201378.4); c.7337T>G, p.Leu2446Arg (NM_201379.3); c.7814T>G, p.Leu2605Arg (NM_201380.4); c.7307T>G, p.Leu2436Arg (NM_201381.3); c.7403T>G, p.Leu2468Arg (NM_201382.4); c.7415T>G, p.Leu2472Arg (NM_201383.3); c.4126-131T>G (NM_001410941.1); short protein forms L2454R, L2468R, L2495R, L2436R, L2446R, L2472R, L2605R.
Identifiers: ClinVar variation 2936831 (VCV002936831.3), dbSNP rs2537611974, ClinGen allele CA372525660.

ClinVar aggregate classification (germline): Uncertain significance (1 of 4 stars; one submission).

Conditions:
Epidermolysis bullosa simplex with nail dystrophy (EBS5D). Identifiers: MedGen C4225309, MONDO:0014661, OMIM 616487.
Epidermolysis bullosa simplex 5C, with pyloric atresia (EBS5C). Also called: PLEC-Related Epidermolysis Bullosa with Pyloric Atresia; Epidermolysis bullosa simplex with pyloric atresia; PLEC1-Related Epidermolysis Bullosa with Pyloric Atresia. Identifiers: Orphanet 158684, MedGen C2677349, MONDO:0012807, OMIM 612138.
Autosomal recessive limb-girdle muscular dystrophy type 2Q (LGMDR17). Also called: MUSCULAR DYSTROPHY, LIMB-GIRDLE, AUTOSOMAL RECESSIVE 17. Identifiers: Orphanet 254361, MedGen C3150989, MONDO:0013390, OMIM 613723.
Epidermolysis bullosa simplex, Ogna type (EBS5A). Also called: Pidermolysis bullosa simplex 5A, Ogna type; EPIDERMOLYSIS BULLOSA SIMPLEX 5A, OGNA TYPE. Identifiers: Orphanet 79401, MedGen C0432317, MONDO:0007555, OMIM 131950.
Epidermolysis bullosa simplex 5B, with muscular dystrophy (EBS5B). Also called: EPIDERMOLYSIS BULLOSA SIMPLEX AND LIMB-GIRDLE MUSCULAR DYSTROPHY; Epidermolysis bullosa simplex with muscular dystrophy. Identifiers: Orphanet 257, MedGen C2931072, MONDO:0009181, OMIM 226670.

Submission:

Labcorp Genetics (formerly Invitae), Labcorp
Classification: Uncertain significance for Autosomal recessive limb-girdle muscular dystrophy type 2Q; Epidermolysis bullosa simplex, Ogna type; Epidermolysis bullosa simplex with nail dystrophy; Epidermolysis bullosa simplex 5C, with pyloric atresia; Epidermolysis bullosa simplex 5B, with muscular dystrophy. Last evaluated: 2022-11-04. Review status: criteria provided, single submitter. Criteria: Invitae Variant Classification Sherloc (09022015). Collection method: clinical testing. Allele origin: germline.
Comment: This variant has not been reported in the literature in individuals affected with PLEC-related conditions. In summary, the available evidence is currently insufficient to determine the role of this variant in disease. Therefore, it has been classified as a Variant of Uncertain Significance. Algorithms developed to predict the effect of missense changes on protein structure and function (SIFT, PolyPhen-2, Align-GVGD) all suggest that this variant is likely to be tolerated. This variant is not present in population databases (gnomAD no frequency). This sequence change replaces leucine, which is neutral and non-polar, with arginine, which is basic and polar, at codon 2495 of the PLEC protein (p.Leu2495Arg).